The following is an entry in ClinVar:

NC_000005.9:g.(90159675_90261231)_(90398158_90445846)del

Gene: ADGRV1 (adhesion G protein-coupled receptor V1; plus strand). Cytogenetic location: 5q14.3.
Variant type: Deletion.
Identifiers: ClinVar variation 4847671 (VCV004847671.1).

ClinVar aggregate classification (germline): Pathogenic (1 of 4 stars; one submission).

Conditions:
Usher syndrome. Also called: Usher Syndromes; Usher's syndrome. Identifiers: Orphanet 886, MedGen CN469326, MeSH D052245, MONDO:0019501. Disease mechanism: loss of function.

Submission:

Women's Health and Genetics/Laboratory Corporation of America, LabCorp
Classification: Pathogenic for Usher syndrome. Last evaluated: 2026-03-26. Review status: criteria provided, single submitter. Criteria: LabCorp Variant Classification Summary - May 2015. Collection method: clinical testing. Allele origin: germline.
Comment: Variant summary: The variant involves the deletion of exons 84-87 in the ADGRV1 gene. A presumed nomenclature of c.(17856+1_17857-1)_(18432+1_18433-1)del has been designated for the purposes of this classification. This Copy Number Variant (CNV) is predicted to result in an in-frame deletion within this gene. Loss-of-function variants in this gene are known to be pathogenic. The variant was absent in 21694 control chromosomes. To our knowledge, no occurrence of c.(17856+1_17857-1)_(18432+1_18433-1)del in individuals affected with ADGRV1-related conditions and no experimental evidence demonstrating its impact on protein function have been reported. At least one variant contained within the deleted region has been classified as pathogenic (c.17933A>G, p.His5978Arg) by our lab, providing evidence that the region altered by the variant is critical to protein function. ClinVar contains an entry for this variant (Variation ID: 3246553). Based on the evidence outlined above, the variant was classified as pathogenic.